The following is an entry in ClinVar:

ClinVar aggregate classification (germline): Uncertain significance (1 of 4 stars; one submission).

Submission:

Labcorp Genetics (formerly Invitae), Labcorp
Classification: Uncertain significance. Last evaluated: 2024-11-17. Review status: criteria provided, single submitter. Criteria: Invitae Variant Classification Sherloc (09022015). Collection method: clinical testing. Allele origin: germline.
Comment: This sequence change replaces valine, which is neutral and non-polar, with methionine, which is neutral and non-polar, at codon 472 of the DRP2 protein (p.Val472Met). This variant is not present in population databases (gnomAD no frequency). This variant has not been reported in the literature in individuals affected with DRP2-related conditions. Invitae Evidence Modeling of protein sequence and biophysical properties (such as structural, functional, and spatial information, amino acid conservation, physicochemical variation, residue mobility, and thermodynamic stability) has been performed for this missense variant. However, the output from this modeling did not meet the statistical confidence thresholds required to predict the impact of this variant on DRP2 protein function. In summary, the available evidence is currently insufficient to determine the role of this variant in disease. Therefore, it has been classified as a Variant of Uncertain Significance.

NM_001939.3(DRP2):c.1414G>A (p.Val472Met)

Gene: DRP2 (dystrophin related protein 2; plus strand). Cytogenetic location: Xq22.1.
Variant type: single nucleotide variant.
Coding change: c.1414G>A on transcript NM_001939.3 (MANE Select); coding-DNA position 1414, G replaced by A.
Protein change: p.Val472Met; replaces valine 472 with methionine.
Molecular consequence: missense variant.
Genome position (GRCh38, 1-based): chrX:101,248,250, G>A. VCF-style: chrX-101248250-G-A. GRCh37 (hg19) VCF-style: chrX-100503239-G-A.
Other names: c.1180G>A, p.Val394Met (NM_001171184.2); short protein forms V394M, V472M.
Identifiers: ClinVar variation 3681478 (VCV003681478.2).